The following is an entry in ClinVar:

NM_003470.3(USP7):c.1447G>A (p.Asp483Asn)

Gene: USP7 (ubiquitin specific peptidase 7; minus strand). Cytogenetic location: 16p13.2.
Variant type: single nucleotide variant.
Coding change: c.1447G>A on transcript NM_003470.3 (MANE Select); coding-DNA position 1447, G replaced by A.
Protein change: p.Asp483Asn; replaces aspartic acid 483 with asparagine.
Molecular consequence: missense variant. On other transcripts: non-coding transcript variant (1).
Genome position (GRCh38, 1-based): chr16:8,905,313, C>T on the plus strand (G>A on the coding strand, the complement: USP7 is on the minus strand). VCF-style: chr16-8905313-C-T. GRCh37 (hg19) VCF-style: chr16-8999170-C-T.
Other names: c.1399G>A, p.Asp467Asn (NM_001286457.2); c.1150G>A, p.Asp384Asn (NM_001286458.2); c.1273G>A, p.Asp425Asn (NM_001321858.2); short protein forms D384N, D425N, D467N, D483N.
Identifiers: ClinVar variation 4071650 (VCV004071650.1).

ClinVar aggregate classification (germline): Uncertain significance (1 of 4 stars; one submission).

Submission:

GeneDx
Classification: Uncertain significance. Last evaluated: 2025-01-21. Review status: criteria provided, single submitter. Criteria: GeneDx Variant Classification Process June 2021. Collection method: clinical testing. Allele origin: germline. Affected: yes.
Comment: Not observed at significant frequency in large population cohorts (gnomAD); In silico analysis supports that this missense variant has a deleterious effect on protein structure/function; Has not been previously published as pathogenic or benign to our knowledge